The following is an entry in ClinVar:

ClinVar aggregate classification (germline): Uncertain significance (1 of 4 stars; one submission).

Conditions:
Hereditary cancer-predisposing syndrome. Also called: Tumor predisposition; Hereditary Cancer Syndrome; Hereditary neoplastic syndrome; Neoplastic Syndromes, Hereditary. Identifiers: Orphanet 140162, MedGen C0027672, MeSH D009386, MONDO:0015356.

Submission:

Ambry Genetics
Classification: Uncertain significance for Hereditary cancer-predisposing syndrome. Last evaluated: 2024-03-16. Review status: criteria provided, single submitter. Criteria: Ambry Variant Classification Scheme 2023. Collection method: clinical testing. Allele origin: germline.
Comment: The p.E2085G variant (also known as c.6254A>G), located in coding exon 45 of the POLE gene, results from an A to G substitution at nucleotide position 6254. The glutamic acid at codon 2085 is replaced by glycine, an amino acid with similar properties. This amino acid position is conserved. In addition, this alteration is predicted to be tolerated by in silico analysis. Based on the available evidence, the clinical significance of this alteration remains unclear.

NM_006231.4(POLE):c.6254A>G (p.Glu2085Gly)

Gene: POLE (DNA polymerase epsilon, catalytic subunit; minus strand). Cytogenetic location: 12q24.33.
Variant type: single nucleotide variant.
Coding change: c.6254A>G on transcript NM_006231.4 (MANE Select); coding-DNA position 6254, A replaced by G.
Protein change: p.Glu2085Gly; replaces glutamic acid 2085 with glycine.
Molecular consequence: missense variant.
Genome position (GRCh38, 1-based): chr12:132,632,391, T>C on the plus strand (A>G on the coding strand, the complement: POLE is on the minus strand). VCF-style: chr12-132632391-T-C. GRCh37 (hg19) VCF-style: chr12-133208977-T-C.
Other names: short protein forms E2085G.
Identifiers: ClinVar variation 3308355 (VCV003308355.1).